The following is an entry in ClinVar:

ClinVar aggregate classification (germline): Benign. Review status: criteria provided, multiple submitters, no conflicts (2 of 4 stars). 2 submissions from 2 submitters: Benign (2). Last evaluated 2018-01-12.

Conditions:
Neuropathy, hereditary sensory and autonomic, type 1C. Also called: HSAN IC; HSN IC. Identifiers: Orphanet 36386, MedGen C3150896, MONDO:0013337, OMIM 613640.

Allele frequency attached by ClinVar (database versions not stated): 1000 Genomes Project 0.04193; 1000 Genomes Project 30x 0.04435; gnomAD 0.05057 and 0.05074; TOPMed 0.05849.

Submissions (2):

Illumina Laboratory Services, Illumina
Classification: Benign for Neuropathy, hereditary sensory and autonomic, type 1C. Last evaluated: 2018-01-12. Review status: criteria provided, single submitter. Criteria: ICSL Variant Classification Criteria 13 December 2019. Collection method: clinical testing. Allele origin: germline.
Comment: This variant was observed in the ICSL laboratory as part of a predisposition screen in an ostensibly healthy population. It had not been previously curated by ICSL or reported in the Human Gene Mutation Database (HGMD: prior to June 1st, 2018), and was therefore a candidate for classification through an automated scoring system. Utilizing variant allele frequency, disease prevalence and penetrance estimates, and inheritance mode, an automated score was calculated to assess if this variant is too frequent to cause the disease. Based on the score and internal cut-off values, a variant classified as benign is not then subjected to further curation. The score for this variant resulted in a classification of benign for this disease.

Breakthrough Genomics
Classification: Benign. Review status: criteria provided, single submitter. Criteria: ACMG Guidelines, 2015. Collection method: not provided. Allele origin: germline. Inheritance: Autosomal dominant inheritance. Affected: yes.

NM_004863.4(SPTLC2):c.*6080C>G

Gene: SPTLC2 (serine palmitoyltransferase long chain base subunit 2; minus strand). Cytogenetic location: 14q24.3.
Variant type: single nucleotide variant.
Coding change: c.*6080C>G on transcript NM_004863.4 (MANE Select); 6080 bases downstream of the stop codon, C replaced by G.
Molecular consequence: 3 prime UTR variant.
Genome position (GRCh38, 1-based): chr14:77,506,204, G>C on the plus strand (C>G on the coding strand, the complement: SPTLC2 is on the minus strand). VCF-style: chr14-77506204-G-C. GRCh37 (hg19) VCF-style: chr14-77972547-G-C.
Identifiers: ClinVar variation 314571 (VCV000314571.6), dbSNP rs56040359, ClinGen allele CA10635407.